The following is an entry in ClinVar:

NM_002775.5(HTRA1):c.472G>C (p.Gly158Arg)

Gene: HTRA1 (HtrA serine peptidase 1; plus strand). Cytogenetic location: 10q26.13.
Variant type: single nucleotide variant.
Coding change: c.472G>C on transcript NM_002775.5 (MANE Select); coding-DNA position 472, G replaced by C.
Protein change: p.Gly158Arg; replaces glycine 158 with arginine.
Molecular consequence: missense variant.
Genome position (GRCh38, 1-based): chr10:122,462,124, G>C. VCF-style: chr10-122462124-G-C. GRCh37 (hg19) VCF-style: chr10-124221640-G-C.
Other names: short protein forms G158R.
Identifiers: ClinVar variation 3907466 (VCV003907466.2).

ClinVar aggregate classification (germline): Conflicting classifications of pathogenicity. Review status: criteria provided, conflicting classifications (1 of 4 stars). 2 submissions from 2 submitters: Likely pathogenic (1); Uncertain significance (1). Last evaluated 2025-07-28.

Conditions:
Cerebral arteriopathy, autosomal recessive, with subcortical infarcts and leukoencephalopathy 2. Also called: CEREBROVASCULAR DISEASE WITH THIN SKIN, ALOPECIA, AND DISC DISEASE; MAEDA SYNDROME; SUBCORTICAL VASCULAR ENCEPHALOPATHY, PROGRESSIVE; Cerebral autosomal recessive arteriopathy with subcortical infarcts and leukoencephalopathy; CARASIL syndrome. Identifiers: Orphanet 199354, MedGen C6022615, MONDO:0010829, OMIM 600142.

Submissions (2):

Concord Molecular Medicine Laboratory, Concord Repatriation General Hospital
Classification: Likely pathogenic for Cerebral arteriopathy, autosomal recessive, with subcortical infarcts and leukoencephalopathy 2. Last evaluated: 2025-07-28. Review status: criteria provided, single submitter. Criteria: ACMG Guidelines, 2015. Collection method: clinical testing. Allele origin: germline. Inheritance: Autosomal recessive inheritance. Affected: yes. Observed: 1 homozygote.
Comment: Homozygosity was confirmed via segregation studies. The c.472G>C variant predicts an amino acid change from glycine to arginine in position 158 in the HTRA1 protein. While the in silico analysis of the missense change was uninformative on pathogenicity (REVEL 0.53), being the last nucleotide in exon 1 this variant is predicted to affect splicing (SpliceAI 0.91). This variant is absent from population database (gnomAD v4.1.0). Multiple loss of function variants distal to this variant have been described in patients with CARASIL or CADASIL2.

Women's Health and Genetics/Laboratory Corporation of America, LabCorp
Classification: Uncertain significance. Last evaluated: 2025-06-02. Review status: criteria provided, single submitter. Criteria: LabCorp Variant Classification Summary - May 2015. Collection method: clinical testing. Allele origin: germline.
Comment: Variant summary: HTRA1 c.472G>C (p.Gly158Arg) results in a non-conservative amino acid change in the encoded protein sequence. Algorithms developed to predict the effect of missense changes on protein structure and function all suggest that this variant is likely to be disruptive. Several computational tools predict a significant impact on normal splicing: Three predict the variant abolishes a 5' splicing donor site. One predict the variant weakens a 5' donor site. However, these predictions have yet to be confirmed by functional studies. The frequency data for this variant in gnomAD is considered unreliable, as metrics indicate poor data quality at this position. To our knowledge, no occurrence of c.472G>C in individuals affected with CARASIL syndrome and no experimental evidence demonstrating its impact on protein function have been reported. No submitters have cited clinical-significance assessments for this variant to ClinVar. Based on the evidence outlined above, the variant was classified as uncertain significance.